The following is an entry in ClinVar:

NM_002184.4(IL6ST):c.910G>A (p.Glu304Lys)

Gene: IL6ST (interleukin 6 cytokine family signal transducer; minus strand). Cytogenetic location: 5q11.2.
Variant type: single nucleotide variant.
Coding change: c.910G>A on transcript NM_002184.4 (MANE Select); coding-DNA position 910, G replaced by A.
Protein change: p.Glu304Lys; replaces glutamic acid 304 with lysine.
Molecular consequence: missense variant. On other transcripts: 5 prime UTR variant (2), non-coding transcript variant (2).
Genome position (GRCh38, 1-based): chr5:55,960,465, C>T on the plus strand (G>A on the coding strand, the complement: IL6ST is on the minus strand). VCF-style: chr5-55960465-C-T. GRCh37 (hg19) VCF-style: chr5-55256293-C-T.
Other names: c.910G>A, p.Glu304Lys (NM_001190981.2, NM_001364275.2, NM_175767.3); c.700G>A, p.Glu234Lys (NM_001364276.2); c.-4G>A (NM_001364277.2, NM_001364279.2); c.7G>A, p.Glu3Lys (NM_001364278.2); short protein forms E234K, E304K, E3K.
Identifiers: ClinVar variation 2634697 (VCV002634697.5), dbSNP rs367560170, ClinGen allele CA3271583.
Genomic context (GRCh38, chr5:55,960,465, plus strand): 5'-CTTCATAGGTGATCCCACTTGCTTCTTCACTCCAGTCACTCCAGTATCCCTTACCATCTT[C>T]CTTCATACAGCGAATCCTAAACACATATTCTGTAAAAGGTTTAAGGTCTTGGACAGTGAA-3'
Protein context (NP_002175.2, residues 294-314): EYVFRIRCMK[Glu304Lys]DGKGYWSDWS

ClinVar aggregate classification (germline): Uncertain significance. Review status: criteria provided, multiple submitters, no conflicts (2 of 4 stars). 3 submissions from 3 submitters: Uncertain significance (3). Last evaluated 2025-06-02.

Conditions:
IL6ST-related disorder. Also called: IL6ST-related condition.

Allele frequency attached by ClinVar (database versions not stated): gnomAD 0.00001; ExAC 0.00002; TOPMed 0.00002; gnomAD exomes 0.00003; ESP Exome Variant Server 0.00008.

Submissions (3):

Labcorp Genetics (formerly Invitae), Labcorp
Classification: Uncertain significance. Last evaluated: 2025-06-02. Review status: criteria provided, single submitter. Criteria: Invitae Variant Classification Sherloc (09022015). Collection method: clinical testing. Allele origin: germline.
Comment: This sequence change replaces glutamic acid, which is acidic and polar, with lysine, which is basic and polar, at codon 304 of the IL6ST protein (p.Glu304Lys). This variant is present in population databases (rs367560170, gnomAD 0.004%). This variant has not been reported in the literature in individuals affected with IL6ST-related conditions. ClinVar contains an entry for this variant (Variation ID: 2634697). An algorithm developed to predict the effect of missense changes on protein structure and function outputs the following: PolyPhen-2: "Benign". The lysine amino acid residue is found in multiple mammalian species, which suggests that this missense change does not adversely affect protein function. In summary, the available evidence is currently insufficient to determine the role of this variant in disease. Therefore, it has been classified as a Variant of Uncertain Significance.

Blueprint Genetics
Classification: Uncertain significance. Last evaluated: 2024-06-13. Review status: criteria provided, single submitter. Criteria: ACMG Guidelines, 2015. Collection method: clinical testing. Allele origin: germline.

PreventionGenetics, part of Exact Sciences
Classification: Uncertain significance for IL6ST-related condition. Last evaluated: 2023-10-04. Review status: criteria provided, single submitter. Criteria: ACMG Guidelines, 2015. Collection method: clinical testing. Allele origin: germline.
Comment: The IL6ST c.910G>A variant is predicted to result in the amino acid substitution p.Glu304Lys. To our knowledge, this variant has not been reported in the literature. This variant is reported in 0.0035% of alleles in individuals of European (Non-Finnish) descent in gnomAD. At this time, the clinical significance of this variant is uncertain due to the absence of conclusive functional and genetic evidence.